The following is an entry in ClinVar:

ClinVar aggregate classification (germline): Uncertain significance. Review status: criteria provided, multiple submitters, no conflicts (2 of 4 stars). 5 submissions from 5 submitters: Uncertain significance (4). 1 of the submissions does not count toward it. Last evaluated 2023-03-20.

Conditions:
Dilated cardiomyopathy 1G (CMD1G). Identifiers: Orphanet 154, MedGen C1858763, MONDO:0011400, OMIM 604145.
Autosomal recessive limb-girdle muscular dystrophy type 2J (LGMDR10). Also called: MUSCULAR DYSTROPHY, LIMB-GIRDLE, AUTOSOMAL RECESSIVE 10; Limb-girdle muscular dystrophy, type 2J. Identifiers: Orphanet 140922, MedGen C1837342, MONDO:0012127, OMIM 608807.
Cardiovascular phenotype. Identifiers: MedGen CN230736.
Early-onset myopathy with fatal cardiomyopathy (CMYO5). Also called: CONGENITAL MYOPATHY 5 WITH CARDIOMYOPATHY; Salih Myopathy. Identifiers: Orphanet 289377, MedGen C2673677, MONDO:0012714, OMIM 611705. Disease mechanism: loss of function.
Hypertrophic cardiomyopathy 9. Also called: Familial hypertrophic cardiomyopathy 9. Identifiers: MedGen C1861065, MONDO:0013412, OMIM 613765.
Tibial muscular dystrophy (TMD). Also called: Tibial muscular dystrophy, tardive; Udd Distal Myopathy – Tibial Muscular Dystrophy; UDD MYOPATHY. Identifiers: Orphanet 609, MedGen C1838244, MONDO:0010870, OMIM 600334.
Myopathy, myofibrillar, 9, with early respiratory failure (MFM9). Also called: EDSTROM MYOPATHY; MYOPATHY, PROXIMAL, WITH EARLY RESPIRATORY MUSCLE INVOLVEMENT; Myopathy, distal, with early respiratory failure, autosomal dominant; Hereditary myopathy with early respiratory failure. Identifiers: Orphanet 178464, Orphanet 34521, MedGen C1863599, MONDO:0011362, OMIM 603689.
Familial long QT syndrome (RWS). Also called: Congenital long QT syndrome; Romano-Ward syndrome; VENTRICULAR FIBRILLATION WITH PROLONGED QT INTERVAL. Identifiers: Orphanet 768, MedGen C1141890, MONDO:0019171.

Allele frequency attached by ClinVar (database versions not stated): gnomAD 0.00003 and 0.00002; gnomAD exomes 0.00002; TOPMed 0.00005; ExAC 0.00002.
gnomAD v4.1: 21 of 1,613,704 alleles (0.0013%); highest among the groups gnomAD compares: African/African-American, 0.004%; no homozygotes.

Submissions (5):

Women's Health and Genetics/Laboratory Corporation of America, LabCorp
Classification: Uncertain significance. Last evaluated: 2023-03-20. Review status: criteria provided, single submitter. Criteria: LabCorp Variant Classification Summary - May 2015. Collection method: clinical testing. Allele origin: germline.

Fulgent Genetics
Classification: Uncertain significance for Tibial muscular dystrophy; Myopathy, myofibrillar, 9, with early respiratory failure; Dilated cardiomyopathy 1G; Autosomal recessive limb-girdle muscular dystrophy type 2J; Early-onset myopathy with fatal cardiomyopathy; Hypertrophic cardiomyopathy 9. Last evaluated: 2021-08-12. Review status: criteria provided, single submitter. Criteria: ACMG Guidelines, 2015. Collection method: clinical testing. Allele origin: unknown.

Labcorp Genetics (formerly Invitae), Labcorp
Classification: Uncertain significance for Dilated cardiomyopathy 1G; Autosomal recessive limb-girdle muscular dystrophy type 2J. Last evaluated: 2018-01-08. Review status: criteria provided, single submitter. Criteria: Invitae Variant Classification Sherloc (09022015). Collection method: clinical testing. Allele origin: germline.

Ambry Genetics
Classification: Uncertain significance for Cardiovascular phenotype. Last evaluated: 2015-10-01. Review status: criteria provided, single submitter. Criteria: Ambry Variant Classification Scheme 2023. Collection method: clinical testing. Allele origin: germline.
Comment: The p.C19927R variant (also known as c.59779T>C), located in coding exon 154 of the TTN gene, results from a T to C substitution at nucleotide position 59779. The cysteine at codon 19927 is replaced by arginine, an amino acid with highly dissimilar properties. Based on data from ExAC, the C allele was reported in 2 of 120394 total alleles (Exome Aggregation Consortium (ExAC), Cambridge, MA (URL) [Accessed September 29, 2015]). This variant was not reported in population based cohorts in the following databases: Database of Single Nucleotide Polymorphisms (dbSNP), NHLBI Exome Sequencing Project (ESP), and 1000 Genomes Project. In the ESP, this variant was not observed in 6028 samples (12056 alleles) with coverage at this position. This amino acid position is highly conserved in available vertebrate species. In addition, the in silico prediction for this alteration is inconclusive. Since supporting evidence is limited at this time, the clinical significance of this variant remains unclear.

Genetics and Genomics Program, Sidra Medicine
Classification: Uncertain significance for Isolated congenital long QT syndrome. Review status: no assertion criteria provided. Collection method: research. Allele origin: unknown. Affected: yes. Not counted in ClinVar's aggregate classification.
Comment: The c.86974T>C missense variant in TTN is reported in ClinVar as VUS (SCV000317996) and is absent from population databases like gnomAD, indicating rarity (PM2). However, there is insufficient evidence supporting its pathogenicity (BP1). Due to the lack of conclusive data, this variant is classified as a VUS (ACMG codes: PM2, BP1).

NM_001267550.2(TTN):c.86974T>C (p.Cys28992Arg)

Genes: TTN (titin; minus strand), TTN-AS1 (TTN antisense RNA 1; plus strand). Cytogenetic location: 2q31.2.
Variant type: single nucleotide variant.
Coding change: c.86974T>C on transcript NM_001267550.2 (MANE Select); coding-DNA position 86974, T replaced by C.
Protein change: p.Cys28992Arg; replaces cysteine 28992 with arginine.
Molecular consequence: missense variant.
Genome position (GRCh38, 1-based): chr2:178,558,485, A>G on the plus strand (T>C on the coding strand, the complement: TTN is on the minus strand). VCF-style: chr2-178558485-A-G. GRCh37 (hg19) VCF-style: chr2-179423212-A-G.
Other names: c.82051T>C, p.Cys27351Arg (NM_001256850.1); c.59779T>C, p.Cys19927Arg (NM_003319.4); c.79270T>C, p.Cys26424Arg (NM_133378.4); c.60154T>C, p.Cys20052Arg (NM_133432.3); c.60355T>C, p.Cys20119Arg (NM_133437.4); short protein forms C19927R, C28992R, C27351R, C20052R, C26424R, C20119R.
Identifiers: ClinVar variation 264316 (VCV000264316.10), dbSNP rs769162510, ClinGen allele CA1988400.